The following is an entry in ClinVar:

NM_000747.3(CHRNB1):c.1205C>G (p.Pro402Arg)

Gene: CHRNB1 (cholinergic receptor nicotinic beta 1 subunit; plus strand). Cytogenetic location: 17p13.1.
Variant type: single nucleotide variant.
Coding change: c.1205C>G on transcript NM_000747.3 (MANE Select); coding-DNA position 1205, C replaced by G.
Protein change: p.Pro402Arg; replaces proline 402 with arginine.
Molecular consequence: missense variant.
Genome position (GRCh38, 1-based): chr17:7,455,444, C>G. VCF-style: chr17-7455444-C-G. GRCh37 (hg19) VCF-style: chr17-7358763-C-G.
Other names: c.1205C>G (NM_000747.2); short protein forms P402R.
Identifiers: ClinVar variation 2917759 (VCV002917759.5), dbSNP rs1435006733, ClinGen allele CA397801650.

ClinVar aggregate classification (germline): Uncertain significance. Review status: criteria provided, single submitter (1 of 4 stars). 2 submissions from 2 submitters: Uncertain significance (1). 1 of the submissions does not count toward it. Last evaluated 2023-01-29.

Conditions:
CHRNB1-related disorder. Also called: CHRNB1-related condition.
Congenital myasthenic syndrome 2A. Also called: Myasthenic syndrome, congenital, 2a, slow-channel. Identifiers: Orphanet 590, MedGen C4225374, MONDO:0014581, OMIM 616313.

Allele frequency attached by ClinVar (database versions not stated): gnomAD exomes below 0.00001.
gnomAD v4.1: 1 of 1,614,136 alleles (0.000062%); highest among the groups gnomAD compares: Non-Finnish European, 0.000085%; no homozygotes.

Submissions (2):

Labcorp Genetics (formerly Invitae), Labcorp
Classification: Uncertain significance for Congenital myasthenic syndrome 2A. Last evaluated: 2023-01-29. Review status: criteria provided, single submitter. Criteria: Invitae Variant Classification Sherloc (09022015). Collection method: clinical testing. Allele origin: germline.
Comment: In summary, the available evidence is currently insufficient to determine the role of this variant in disease. Therefore, it has been classified as a Variant of Uncertain Significance. Algorithms developed to predict the effect of sequence changes on RNA splicing suggest that this variant may disrupt the consensus splice site. Advanced modeling of protein sequence and biophysical properties (such as structural, functional, and spatial information, amino acid conservation, physicochemical variation, residue mobility, and thermodynamic stability) performed at Invitae indicates that this missense variant is not expected to disrupt CHRNB1 protein function. This variant has not been reported in the literature in individuals affected with CHRNB1-related conditions. This variant is present in population databases (no rsID available, gnomAD no frequency). This sequence change replaces proline, which is neutral and non-polar, with arginine, which is basic and polar, at codon 402 of the CHRNB1 protein (p.Pro402Arg).

PreventionGenetics, part of Exact Sciences
Classification: Uncertain significance for CHRNB1-related condition. Last evaluated: 2024-02-26. Review status: no assertion criteria provided. Collection method: clinical testing. Allele origin: germline. Not counted in ClinVar's aggregate classification.
Comment: The CHRNB1 c.1205C>G variant is predicted to result in the amino acid substitution p.Pro402Arg. To our knowledge, this variant has not been reported in the literature. This variant is reported in 0.00088% of alleles in individuals of European (Non-Finnish) descent in gnomAD. At this time, the clinical significance of this variant is uncertain due to the absence of conclusive functional and genetic evidence.